The following is an entry in ClinVar:

ClinVar aggregate classification (germline): Conflicting classifications of pathogenicity. Review status: criteria provided, conflicting classifications (1 of 4 stars). 6 submissions from 6 submitters: Uncertain significance (4); Benign (1); Likely benign (1). Last evaluated 2026-01-31.

Conditions:
Ehlers-Danlos syndrome, classic type (cEDS). Identifiers: Orphanet 287, MedGen C4225429, MONDO:0007522.
Ehlers-Danlos syndrome, classic type, 1 (EDSCL1). Also called: EHLERS-DANLOS SYNDROME, GRAVIS TYPE; EHLERS-DANLOS SYNDROME, SEVERE CLASSIC TYPE; Ehlers-Danlos Syndrome, Classic Type, COL5A1-Related; EDS I; Ehlers-Danlos syndrome, type 1. Identifiers: MedGen C0268335, MONDO:0019567, OMIM 130000.
Familial thoracic aortic aneurysm and aortic dissection (TAAD). Also called: Thoracic aortic aneurysms and dissections. Identifiers: Orphanet 91387, MedGen C4707243, MONDO:0019625.

Allele frequency attached by ClinVar (database versions not stated): TOPMed 0.00001; gnomAD exomes 0.00004 and 0.00009; gnomAD 0.00001 and 0.00003; ExAC 0.00006.
gnomAD v4.1: 136 of 1,613,470 alleles (0.0084%); highest among the groups gnomAD compares: East Asian, 0.26%; 2 homozygotes.

Submissions (6):

Labcorp Genetics (formerly Invitae), Labcorp
Classification: Benign for Ehlers-Danlos syndrome, classic type, 1. Last evaluated: 2026-01-31. Review status: criteria provided, single submitter. Criteria: Invitae Variant Classification Sherloc (09022015). Collection method: clinical testing. Allele origin: germline.

Ambry Genetics
Classification: Uncertain significance for Familial thoracic aortic aneurysm and aortic dissection. Last evaluated: 2025-05-25. Review status: criteria provided, single submitter. Criteria: Ambry Variant Classification Scheme 2023. Collection method: clinical testing. Allele origin: germline.
Comment: The p.A1755T variant (also known as c.5263G>A), located in coding exon 65 of the COL5A1 gene, results from a G to A substitution at nucleotide position 5263. The alanine at codon 1755 is replaced by threonine, an amino acid with similar properties. This variant has been reported in association with aortic dissection (Li Z et al. Sci China Life Sci, 2017 Jan;60:57-65; Chen P et al. J Am Heart Assoc, 2021 Jun;10:e019276). This amino acid position is not well conserved in available vertebrate species. In addition, this alteration is predicted to be tolerated by in silico analysis. Based on the available evidence, the clinical significance of this variant remains unclear.

Department of Pathology and Laboratory Medicine, Sinai Health System
Classification: Uncertain significance for Ehlers-Danlos syndrome, classic type. Last evaluated: 2021-07-30. Review status: criteria provided, single submitter. Criteria: ACMG Guidelines, 2015. Collection method: research. Allele origin: germline.

GeneDx
Classification: Uncertain significance. Last evaluated: 2019-12-18. Review status: criteria provided, single submitter. Criteria: GeneDx Variant Classification Process June 2021. Collection method: clinical testing. Allele origin: germline. Affected: yes.
Comment: In silico analysis, which includes protein predictors and evolutionary conservation, supports that this variant does not alter protein structure/function; Has not been previously published as pathogenic or benign to our knowledge

Illumina Laboratory Services, Illumina
Classification: Likely benign for Ehlers-Danlos syndrome, classic type, 1. Last evaluated: 2018-01-13. Review status: criteria provided, single submitter. Criteria: ICSL Variant Classification Criteria 13 December 2019. Collection method: clinical testing. Allele origin: germline.
Comment: This variant was observed in the ICSL laboratory as part of a predisposition screen in an ostensibly healthy population. It had not been previously curated by ICSL or reported in the Human Gene Mutation Database (HGMD: prior to June 1st, 2018), and was therefore a candidate for classification through an automated scoring system. Utilizing variant allele frequency, disease prevalence and penetrance estimates, and inheritance mode, an automated score was calculated to assess if this variant is too frequent to cause the disease. Based on the score and internal cut-off values, a variant classified as likely benign is not then subjected to further curation. The score for this variant resulted in a classification of likely benign for this disease.

ARUP Laboratories, Molecular Genetics and Genomics, ARUP Laboratories
Classification: Uncertain significance. Last evaluated: 2017-12-20. Review status: criteria provided, single submitter. Criteria: ARUP Molecular Germline Variant Investigation Process. Collection method: clinical testing. Allele origin: germline.

Literature cited by the submitters: PubMed 27975164 (cited by Ambry Genetics); PubMed 34041919 (cited by Ambry Genetics).

NM_000093.5(COL5A1):c.5263G>A (p.Ala1755Thr)

Genes: COL5A1 (collagen type V alpha 1 chain; plus strand), LOC101448202 (uncharacterized LOC101448202; minus strand). Cytogenetic location: 9q34.3.
Variant type: single nucleotide variant.
Coding change: c.5263G>A on transcript NM_000093.5 (MANE Select); coding-DNA position 5263, G replaced by A.
Protein change: p.Ala1755Thr; replaces alanine 1755 with threonine.
Molecular consequence: missense variant.
Genome position (GRCh38, 1-based): chr9:134,835,097, G>A. VCF-style: chr9-134835097-G-A. GRCh37 (hg19) VCF-style: chr9-137726943-G-A.
Other names: c.5263G>A, p.Ala1755Thr (NM_001278074.1); short protein forms A1755T.
Identifiers: ClinVar variation 365733 (VCV000365733.25), dbSNP rs776748227, ClinGen allele CA5320677.